The following is an entry in ClinVar:

ClinVar aggregate classification (germline): Uncertain significance (1 of 4 stars; one submission).

Conditions:
Neurofibromatosis, type 2 (SWNV). Also called: SCHWANNOMATOSIS, VESTIBULAR; BILATERAL ACOUSTIC NEUROFIBROMATOSIS; NF2-Related Schwannomatosis. Identifiers: Orphanet 637, MedGen C0027832, MONDO:0007039, OMIM 101000. Disease mechanism: loss of function.

Submission:

Labcorp Genetics (formerly Invitae), Labcorp
Classification: Uncertain significance for Neurofibromatosis, type 2. Last evaluated: 2023-10-04. Review status: criteria provided, single submitter. Criteria: Invitae Variant Classification Sherloc (09022015). Collection method: clinical testing. Allele origin: germline.
Comment: This sequence change replaces valine, which is neutral and non-polar, with glutamic acid, which is acidic and polar, at codon 122 of the NF2 protein (p.Val122Glu). This variant is not present in population databases (gnomAD no frequency). This variant has not been reported in the literature in individuals affected with NF2-related conditions. An algorithm developed to predict the effect of missense changes on protein structure and function (PolyPhen-2) suggests that this variant is likely to be disruptive. In summary, the available evidence is currently insufficient to determine the role of this variant in disease. Therefore, it has been classified as a Variant of Uncertain Significance.

NM_000268.4(NF2):c.365T>A (p.Val122Glu)

Gene: NF2 (NF2, moesin-ezrin-radixin like (MERLIN) tumor suppressor; plus strand). Cytogenetic location: 22q12.2.
Variant type: single nucleotide variant.
Coding change: c.365T>A on transcript NM_000268.4 (MANE Select); coding-DNA position 365, T replaced by A.
Protein change: p.Val122Glu; replaces valine 122 with glutamic acid.
Molecular consequence: missense variant. On other transcripts: 5 prime UTR variant (1), non-coding transcript variant (1).
Genome position (GRCh38, 1-based): chr22:29,642,203, T>A. VCF-style: chr22-29642203-T-A. GRCh37 (hg19) VCF-style: chr22-30038192-T-A.
Other names: c.251T>A, p.Val84Glu (NM_001407053.1, NM_001407056.1); c.242T>A, p.Val81Glu (NM_001407054.1, NM_001407058.1, NM_001407062.1 and 1 more transcripts); c.239T>A, p.Val80Glu (NM_001407055.1, NM_181828.3); c.365T>A, p.Val122Glu (NM_001407057.1, NM_001407059.1, NM_001407060.1 and 5 more transcripts); c.116T>A, p.Val39Glu (NM_001407063.1, NM_001407064.1, NM_181830.3 and 1 more transcripts); c.-276T>A (NM_001407065.1); c.134T>A, p.Val45Glu (NM_001407067.1); short protein forms V122E, V80E, V84E, V81E, V39E, V45E.
Identifiers: ClinVar variation 2765386 (VCV002765386.3), dbSNP rs2518463145, ClinGen allele CA411153712.
Genomic context (GRCh38, chr22:29,642,203, plus strand): 5'-AGCCTACACACCTCACTTCCACTCACAGAGTATCATGTCTCCCTTGTTGCTCCTTTCAGG[T>A]AAAGAAGCAGATTTTAGATGAAAAGATCTACTGCCCTCCTGAGGCTTCTGTGCTCCTGGC-3'
Protein context (NP_000259.1, residues 112-132): EITQHLFFLQ[Val122Glu]KKQILDEKIY